The following is an entry in ClinVar:

NM_001111125.3(IQSEC2):c.3452-2A>T

Gene: IQSEC2 (IQ motif and Sec7 domain ArfGEF 2; minus strand). Cytogenetic location: Xp11.22.
Variant type: single nucleotide variant.
Coding change: c.3452-2A>T on transcript NM_001111125.3 (MANE Select); the canonical splice acceptor site of the intron before coding-DNA position 3452, A replaced by T.
Molecular consequence: splice acceptor variant. On other transcripts: intron variant (6).
Genome position (GRCh38, 1-based): chrX:53,235,834, T>A on the plus strand (A>T on the coding strand, the complement: IQSEC2 is on the minus strand). VCF-style: chrX-53235834-T-A. GRCh37 (hg19) VCF-style: chrX-53265016-T-A.
Other names: c.3451+488A>T (NM_001441092.1, NM_001410736.1); c.2740+488A>T (NM_001441095.1, NM_001441094.1); c.2836+488A>T (NM_015075.2); c.2953+488A>T (NM_001441093.1).
Identifiers: ClinVar variation 4880225 (VCV004880225.1).

ClinVar aggregate classification (germline): Pathogenic (1 of 4 stars; one submission).

Conditions:
NEURODEVELOPMENTAL DISORDER, X-LINKED, WITH POOR OR ABSENT SPEECH AND BEHAVIORAL ABNORMALITIES (NEDXSB). Identifiers: MedGen CN381607, OMIM 301164.

Submission:

Wales Gene Park, Division Of Cancer and Genetics, Cardiff University
Classification: Pathogenic for NEURODEVELOPMENTAL DISORDER, X-LINKED, WITH POOR OR ABSENT SPEECH AND BEHAVIORAL ABNORMALITIES. Last evaluated: 2026-04-28. Review status: criteria provided, single submitter. Criteria: ACGS Best Practice Guidelines for Variant Classification in Rare Disease 2024. Collection method: research. Allele origin: de novo. Inheritance: X-linked inheritance. Affected: yes. Study: 100,000 Genomes Project (Wales).
Comment: De novo IQSEC2 splice acceptor variant detected by trio genome sequencing. Not present in gnomAD (v4.1.1). Phenotype consistent with gene but not highly specific. Evidence codes: PM2, PVS1_strong, PS2_moderate.